The following is an entry in ClinVar:

ClinVar aggregate classification (germline): Conflicting classifications of pathogenicity. Review status: criteria provided, conflicting classifications (1 of 4 stars). 2 submissions from 2 submitters: Likely pathogenic (1); Uncertain significance (1). Last evaluated 2025-07-11.

Conditions:
Cardiovascular phenotype. Identifiers: MedGen CN230736.

Submissions (2):

GeneDx
Classification: Uncertain significance. Last evaluated: 2025-07-11. Review status: criteria provided, single submitter. Criteria: GeneDx Variant Classification Process June 2021. Collection method: clinical testing. Allele origin: germline. Affected: yes.
Comment: Not observed at significant frequency in large population cohorts (gnomAD); Frameshift variant predicted to result in protein truncation or nonsense mediated decay in a gene or region of a gene for which loss of function is not a well-established mechanism of disease; Has not been previously published as pathogenic or benign to our knowledge

Ambry Genetics
Classification: Likely pathogenic for Cardiovascular phenotype. Last evaluated: 2025-02-21. Review status: criteria provided, single submitter. Criteria: Ambry Variant Classification Scheme 2023. Collection method: clinical testing. Allele origin: germline.
Comment: The c.1118_1121delAAGA variant, located in coding exon 6 of the TTN gene, results from a deletion of 4 nucleotides at nucleotide positions 1118 to 1121, causing a translational frameshift with a predicted alternate stop codon. This exon is located in the Z-disk region of the N2-B isoform of the titin protein and is constitutively expressed in TTN transcripts (percent spliced in or PSI 100%). This variant is considered to be rare based on population cohorts in the Genome Aggregation Database (gnomAD). This variant is expected to result in loss of function by premature protein truncation or nonsense-mediated mRNA decay. While truncating variants in TTN are present in 1-3% of the general population, truncating variants in the A-band are the most common cause of dilated cardiomyopathy (Herman DS et al. N. Engl. J. Med., 2012 Feb;366:619-28; Roberts AM et al. Sci Transl Med, 2015 Jan;7:270ra6). TTN truncating variants encoded in constitutive exons (PSI >90%) have been found to be significantly associated with DCM regardless of their position in titin (Schafer S et al. Nat. Genet., 2017 01;49:46-53; Akhtar MM et al. Circ Heart Fail, 2020 Oct;13:e006832; Massier M et al. Clin Genet, 2025 Jan). Based on the majority of available evidence to date, this variant is likely to be pathogenic.

NM_001267550.2(TTN):c.1118_1121del (p.Glu373fs)

Gene: TTN (titin; minus strand). Cytogenetic location: 2q31.2.
Variant type: Deletion.
Coding change: c.1118_1121del on transcript NM_001267550.2 (MANE Select); coding-DNA positions 1118 to 1121, 4 bases deleted (AAGA; older notation c.1118_1121delAAGA).
Protein change: p.Glu373fs; shifts the reading frame from glutamic acid 373.
Molecular consequence: frameshift variant.
Genome position (GRCh38, 1-based): chr2:178,795,046-178,795,049, TCTT deleted on the plus strand (AAGA on the coding strand, the reverse complement: TTN is on the minus strand). VCF-style (leftmost placement, unchanged base first): chr2-178795045-CTCTT-C. GRCh37 (hg19) VCF-style: chr2-179659772-CTCTT-C.
Other names: c.1118_1121delAAGA (NM_003319.4); c.1118_1121del, p.Glu373fs (NM_001256850.1, NM_003319.4, NM_133378.4 and 3 more transcripts); c.1118_1121delAAGA, p.Glu373Glyfs (NM_001267550.1); c.1118_1121del (NM_001267550.1); short protein forms E373fs.
Identifiers: ClinVar variation 2566426 (VCV002566426.4), dbSNP rs2534087552, ClinGen allele CA2580616641.